The following is an entry in ClinVar:

ClinVar aggregate classification (germline): Likely benign (1 of 4 stars; one submission).

gnomAD v4.1: 23 of 1,613,504 alleles (0.0014%); highest among the groups gnomAD compares: African/African-American, 0.0067%; no homozygotes.

Submission:

CeGaT Center for Human Genetics Tuebingen
Classification: Likely benign. Last evaluated: 2026-05-01. Review status: criteria provided, single submitter. Criteria: CeGaT Center For Human Genetics Tuebingen Variant Classification Criteria Version 2. Collection method: clinical testing. Allele origin: germline. Affected: yes. Observed: 2 variant alleles.
Comment: ZMYND8: BP4, BP7

NM_001281775.3(ZMYND8):c.765G>A (p.Thr255=)

Gene: ZMYND8 (zinc finger MYND-type containing 8; minus strand). Cytogenetic location: 20q13.12.
Variant type: single nucleotide variant.
Coding change: c.765G>A on transcript NM_001281775.3 (MANE Select); coding-DNA position 765, G replaced by A.
Protein change: p.Thr255=; no amino-acid change (threonine 255 retained).
Molecular consequence: synonymous variant. On other transcripts: 5 prime UTR variant (2).
Genome position (GRCh38, 1-based): chr20:47,287,268, C>T on the plus strand (G>A on the coding strand, the complement: ZMYND8 is on the minus strand). VCF-style: chr20-47287268-C-T. GRCh37 (hg19) VCF-style: chr20-45916012-C-T.
Other names: c.690G>A, p.Thr230= (NM_001281771.3, NM_001281777.3, NM_001281778.3 and 4 more transcripts); c.705G>A, p.Thr235= (NM_001281772.3, NM_001281773.3, NM_001281774.3 and 1 more transcripts); c.765G>A, p.Thr255= (NM_001281776.3, NM_001281783.3, NM_012408.6 and 1 more transcripts); c.-171G>A (NM_001281779.3, NM_001281780.3); c.786G>A, p.Thr262= (NM_001363714.1).
Identifiers: ClinVar variation 4821935 (VCV004821935.4).